The following is an entry in ClinVar:

ClinVar aggregate classification (germline): Likely benign. Review status: criteria provided, multiple submitters, no conflicts (2 of 4 stars). 2 submissions from 2 submitters: Likely benign (2). Last evaluated 2025-05-22.

Conditions:
IFT74-related disorder. Also called: IFT74-related condition; IFT74-Related Disorders.

Allele frequency attached by ClinVar (database versions not stated): gnomAD exomes 0.00001; TOPMed 0.00004.
gnomAD v4.1: 7 of 1,582,468 alleles (0.00044%); highest among the groups gnomAD compares: Admixed American, 0.011%; 1 homozygote.

Submissions (2):

PreventionGenetics, part of Exact Sciences
Classification: Likely benign for IFT74-related condition. Last evaluated: 2025-05-22. Review status: criteria provided, single submitter. Criteria: ACMG Guidelines, 2015. Collection method: clinical testing. Allele origin: germline.
Comment: This variant is classified as likely benign based on ACMG/AMP sequence variant interpretation guidelines (Richards et al. 2015 PMID: 25741868, with internal and published modifications).

Labcorp Genetics (formerly Invitae), Labcorp
Classification: Likely benign. Last evaluated: 2025-01-20. Review status: criteria provided, single submitter. Criteria: Invitae Variant Classification Sherloc (09022015). Collection method: clinical testing. Allele origin: germline.

NM_025103.4(IFT74):c.404+10A>G

Gene: IFT74 (intraflagellar transport 74; plus strand). Cytogenetic location: 9p21.2.
Variant type: single nucleotide variant.
Coding change: c.404+10A>G on transcript NM_025103.4 (MANE Select); 10 bases into the intron after coding-DNA position 404, A replaced by G.
Molecular consequence: intron variant.
Genome position (GRCh38, 1-based): chr9:26,984,365, A>G. VCF-style: chr9-26984365-A-G. GRCh37 (hg19) VCF-style: chr9-26984363-A-G.
Other names: c.404+10A>G (NM_001099223.3, NM_001099222.3, NM_001349928.2 and 2 more transcripts).
Identifiers: ClinVar variation 2060906 (VCV002060906.5), dbSNP rs1194813220, ClinGen allele CA587122700.